The following is an entry in ClinVar:

ClinVar aggregate classification (germline): Uncertain significance (1 of 4 stars; one submission).

Conditions:
Loeys-Dietz syndrome 2 (LDS2). Also called: TGFBR2-Related Loeys-Dietz Syndrome; Marfan Syndrome type 2; Marfan like connective tissue disorder; MFS 2; Marfan syndrome, type 2 (formerly); AORTIC ANEURYSM, FAMILIAL THORACIC 3. Identifiers: Orphanet 284973, Orphanet 558, MedGen C2674574, MONDO:0012427, OMIM 610168.

Allele frequency attached by ClinVar (database versions not stated): gnomAD exomes below 0.00001 and 0.00001.
gnomAD v4.1: 4 of 1,611,954 alleles (0.00025%); highest among the groups gnomAD compares: Non-Finnish European, 0.00034%; no homozygotes.

Submission:

Labcorp Genetics (formerly Invitae), Labcorp
Classification: Uncertain significance for Loeys-Dietz syndrome 2. Last evaluated: 2022-02-04. Review status: criteria provided, single submitter. Criteria: Invitae Variant Classification Sherloc (09022015). Collection method: clinical testing. Allele origin: germline.
Comment: In summary, the available evidence is currently insufficient to determine the role of this variant in disease. Therefore, it has been classified as a Variant of Uncertain Significance. Algorithms developed to predict the effect of missense changes on protein structure and function are either unavailable or do not agree on the potential impact of this missense change (SIFT: "Deleterious"; PolyPhen-2: "Possibly Damaging"; Align-GVGD: "Class C0"). ClinVar contains an entry for this variant (Variation ID: 859918). This variant has not been reported in the literature in individuals affected with TMPO-related conditions. This variant is present in population databases (no rsID available, gnomAD 0.006%). This sequence change replaces leucine, which is neutral and non-polar, with phenylalanine, which is neutral and non-polar, at codon 45 of the TMPO protein (p.Leu45Phe).

NM_001032283.3(TMPO):c.133C>T (p.Leu45Phe)

Genes: TMPO (thymopoietin; plus strand), TMPO-AS1 (TMPO antisense RNA 1; minus strand). Cytogenetic location: 12q23.1.
Variant type: single nucleotide variant.
Coding change: c.133C>T on transcript NM_001032283.3 (MANE Select); coding-DNA position 133, C replaced by T.
Protein change: p.Leu45Phe; replaces leucine 45 with phenylalanine.
Molecular consequence: missense variant. On other transcripts: non-coding transcript variant (1).
Genome position (GRCh38, 1-based): chr12:98,516,000, C>T. VCF-style: chr12-98516000-C-T. GRCh37 (hg19) VCF-style: chr12-98909778-C-T.
Other names: c.133C>T, p.Leu45Phe (NM_001032284.3, NM_001307975.2, NM_003276.2); short protein forms L45F.
Identifiers: ClinVar variation 859918 (VCV000859918.10), dbSNP rs1490105931, ClinGen allele CA386239512.